The following is an entry in ClinVar:

ClinVar aggregate classification (germline): Uncertain significance. Review status: criteria provided, multiple submitters, no conflicts (2 of 4 stars). 2 submissions from 2 submitters: Uncertain significance (2). Last evaluated 2023-11-17.

Conditions:
Primary familial hypertrophic cardiomyopathy (HCM). Identifiers: Orphanet 99739, MedGen C0949658, MeSH D024741, MONDO:0024573. Inheritance: Various modes of inheritance.

Allele frequency attached by ClinVar (database versions not stated): ExAC 0.00001; gnomAD 0.00001; gnomAD exomes 0.00001; TOPMed 0.00001.
gnomAD v4.1: 16 of 1,614,088 alleles (0.00099%); highest among the groups gnomAD compares: African/African-American, 0.0027%; no homozygotes.

Submissions (2):

Ambry Genetics
Classification: Uncertain significance. Last evaluated: 2023-11-17. Review status: criteria provided, single submitter. Criteria: Ambry Variant Classification Scheme 2023. Collection method: clinical testing. Allele origin: germline.
Comment: The p.R323H variant (also known as c.968G>A), located in coding exon 9 of the ILK gene, results from a G to A substitution at nucleotide position 968. The arginine at codon 323 is replaced by histidine, an amino acid with highly similar properties. This amino acid position is conserved. In addition, the in silico prediction for this alteration is inconclusive. Since supporting evidence is limited at this time, the clinical significance of this alteration remains unclear.

Labcorp Genetics (formerly Invitae), Labcorp
Classification: Uncertain significance for Primary familial hypertrophic cardiomyopathy. Last evaluated: 2022-08-09. Review status: criteria provided, single submitter. Criteria: Invitae Variant Classification Sherloc (09022015). Collection method: clinical testing. Allele origin: germline.
Comment: This variant is present in population databases (rs199652324, gnomAD 0.007%). This sequence change replaces arginine, which is basic and polar, with histidine, which is basic and polar, at codon 323 of the ILK protein (p.Arg323His). Algorithms developed to predict the effect of missense changes on protein structure and function (SIFT, PolyPhen-2, Align-GVGD) all suggest that this variant is likely to be tolerated. ClinVar contains an entry for this variant (Variation ID: 1041952). This variant has not been reported in the literature in individuals affected with ILK-related conditions. In summary, the available evidence is currently insufficient to determine the role of this variant in disease. Therefore, it has been classified as a Variant of Uncertain Significance.

NM_004517.4(ILK):c.968G>A (p.Arg323His)

Genes: TAF10 (TATA-box binding protein associated factor 10; minus strand), ILK (integrin linked kinase; plus strand). Cytogenetic location: 11p15.4.
Variant type: single nucleotide variant.
Coding change: c.968G>A on transcript NM_004517.4 (MANE Select); coding-DNA position 968, G replaced by A.
Protein change: p.Arg323His; replaces arginine 323 with histidine.
Molecular consequence: missense variant. On other transcripts: 3 prime UTR variant (1).
Genome position (GRCh38, 1-based): chr11:6,609,835, G>A. VCF-style: chr11-6609835-G-A. GRCh37 (hg19) VCF-style: chr11-6631066-G-A.
Other names: c.968G>A, p.Arg323His (NM_001014794.3, NM_001014795.3); c.785G>A, p.Arg262His (NM_001278441.2); c.566G>A, p.Arg189His (NM_001278442.2); c.*1087C>T (NM_006284.4); short protein forms R323H, R189H, R262H.
Identifiers: ClinVar variation 1041952 (VCV001041952.10), dbSNP rs199652324, ClinGen allele CA5858236.